The following is an entry in ClinVar:

ClinVar aggregate classification (germline): Pathogenic (1 of 4 stars; one submission).

Conditions:
Primary ciliary dyskinesia. Also called: Ciliary dyskinesia. Identifiers: Orphanet 244, MedGen C0008780, MONDO:0016575, HP:0012265.

Submission:

Labcorp Genetics (formerly Invitae), Labcorp
Classification: Pathogenic for Primary ciliary dyskinesia. Last evaluated: 2024-03-01. Review status: criteria provided, single submitter. Criteria: Invitae Variant Classification Sherloc (09022015). Collection method: clinical testing. Allele origin: germline.
Comment: This sequence change creates a premature translational stop signal (p.Glu975Glyfs*104) in the RPGR (ORF15) gene. While this is not anticipated to result in nonsense mediated decay, it is expected to disrupt the last 178 amino acid(s) of the RPGR (ORF15) protein. This variant is not present in population databases (gnomAD no frequency). This variant has not been reported in the literature in individuals affected with RPGR (ORF15)-related conditions. ClinVar contains an entry for this variant (Variation ID: 1995887). This variant disrupts a region of the RPGR (ORF15) protein in which other variant(s) (p.Leu1130Lysfs*13) have been determined to be pathogenic (PMID: 22264887; Invitae). This suggests that this is a clinically significant region of the protein, and that variants that disrupt it are likely to be disease-causing. For these reasons, this variant has been classified as Pathogenic.

Literature cited by the submitters: PubMed 22264887.

NM_001034853.2(RPGR):c.2923dup (p.Glu975fs)

Gene: RPGR (retinitis pigmentosa GTPase regulator; minus strand). Cytogenetic location: Xp11.4.
Variant type: Duplication.
Coding change: c.2923dup on transcript NM_001034853.2 (MANE Select); coding-DNA position 2923, one base duplicated (G; older notation c.2923dupG).
Protein change: p.Glu975fs; shifts the reading frame from glutamic acid 975.
Molecular consequence: frameshift variant. On other transcripts: intron variant (8).
Genome position (GRCh38, 1-based): chrX:38,286,076, C duplicated on the plus strand (G on the coding strand, the reverse complement: RPGR is on the minus strand); the first of 4 consecutive C bases (chrX:38,286,076-38,286,079); duplicating any one gives the same sequence. VCF-style (leftmost placement, unchanged base first): chrX-38286075-T-TC. GRCh37 (hg19) VCF-style: chrX-38145328-T-TC.
Other names: c.1569+4883dup (NM_001367249.1, NM_001367250.1); c.1902+1018dup (NM_001367245.1); c.1386+4883dup (NM_001367251.1); c.1719+1018dup (NM_001367246.1); c.1572+4883dup (NM_001367247.1); c.1905+1018dup (NM_000328.3); c.1602+4883dup (NM_001367248.1); short protein forms E975fs.
Identifiers: ClinVar variation 1995887 (VCV001995887.4), dbSNP rs2519784938, ClinGen allele CA2580100830.